The following is an entry in ClinVar:

ClinVar aggregate classification (germline): Uncertain significance. Review status: criteria provided, multiple submitters, no conflicts (2 of 4 stars). 2 submissions from 2 submitters: Uncertain significance (2). Last evaluated 2024-05-26.

Conditions:
Hereditary pancreatitis (PCTT). Also called: Hereditary chronic pancreatitis; PRSS1-Related Hereditary Pancreatitis. Identifiers: Orphanet 676, MedGen C0238339, MONDO:0008185, OMIM 167800.

Submissions (2):

Ambry Genetics
Classification: Uncertain significance for Hereditary pancreatitis. Last evaluated: 2024-05-26. Review status: criteria provided, single submitter. Criteria: Ambry Variant Classification Scheme 2023. Collection method: clinical testing. Allele origin: germline.
Comment: The p.I243T variant (also known as c.728T>C), located in coding exon 5 of the PRSS1 gene, results from a T to C substitution at nucleotide position 728. The isoleucine at codon 243 is replaced by threonine, an amino acid with similar properties. This amino acid position is conserved. In addition, the in silico prediction for this alteration is inconclusive. Based on the available evidence, the clinical significance of this variant remains unclear.

Labcorp Genetics (formerly Invitae), Labcorp
Classification: Uncertain significance for Hereditary pancreatitis. Last evaluated: 2020-05-29. Review status: criteria provided, single submitter. Criteria: Invitae Variant Classification Sherloc (09022015). Collection method: clinical testing. Allele origin: germline.
Comment: This variant is not present in population databases (ExAC no frequency). This sequence change replaces isoleucine with threonine at codon 243 of the PRSS1 protein (p.Ile243Thr). The isoleucine residue is moderately conserved and there is a moderate physicochemical difference between isoleucine and threonine. This variant has not been reported in the literature in individuals with PRSS1-related disease. In summary, the available evidence is currently insufficient to determine the role of this variant in disease. Therefore, it has been classified as a Variant of Uncertain Significance. Algorithms developed to predict the effect of missense changes on protein structure and function do not agree on the potential impact of this missense change (SIFT: "Deleterious"; PolyPhen-2: "Probably Damaging"; Align-GVGD: "Class C0").

NM_002769.5(PRSS1):c.728T>C (p.Ile243Thr)

Genes: PRSS1 (serine protease 1; plus strand), TRB (T cell receptor beta locus; plus strand). Cytogenetic location: 7q34.
Variant type: single nucleotide variant.
Coding change: c.728T>C on transcript NM_002769.5 (MANE Select); coding-DNA position 728, T replaced by C.
Protein change: p.Ile243Thr; replaces isoleucine 243 with threonine.
Molecular consequence: missense variant.
Genome position (GRCh38, 1-based): chr7:142,753,004, T>C. VCF-style: chr7-142753004-T-C. GRCh37 (hg19) VCF-style: chr7-142460855-T-C.
Other names: short protein forms I243T.
Identifiers: ClinVar variation 528773 (VCV000528773.9), dbSNP rs1554499664, ClinGen allele CA369611100.